The following is an entry in ClinVar:

ClinVar aggregate classification (germline): Likely pathogenic. Review status: criteria provided, multiple submitters, no conflicts (2 of 4 stars). 3 submissions from 3 submitters: Likely pathogenic (3). Last evaluated 2025-01-28.

Conditions:
Sulfite oxidase deficiency. Also called: Isolated sulfite oxidase deficiency. Identifiers: Orphanet 833, Orphanet 99731, MedGen C0268624, MONDO:0010089, OMIM 272300, HP:0003643.

Allele frequency attached by ClinVar (database versions not stated): gnomAD exomes below 0.00001; ExAC 0.00001; TOPMed 0.00002.
gnomAD v4.1: 2 of 1,614,094 alleles (0.00012%); highest among the groups gnomAD compares: Non-Finnish European, 0.000085%; no homozygotes.

Submissions (3):

GeneDx
Classification: Likely pathogenic. Last evaluated: 2025-01-28. Review status: criteria provided, single submitter. Criteria: GeneDx Variant Classification Process June 2021. Collection method: clinical testing. Allele origin: germline. Affected: yes.
Comment: In silico analysis supports that this missense variant has a deleterious effect on protein structure/function; Not observed at significant frequency in large population cohorts (gnomAD); Also known as c.965A>G p.(K322R); This variant is associated with the following publications: (PMID: 19793632, 24756183, 35679912, 28980090, 34420858, 34741542, 12112661, 37441922)

Labcorp Genetics (formerly Invitae), Labcorp
Classification: Likely pathogenic for Sulfite oxidase deficiency. Last evaluated: 2024-11-13. Review status: criteria provided, single submitter. Criteria: Invitae Variant Classification Sherloc (09022015). Collection method: clinical testing. Allele origin: germline.
Comment: This sequence change replaces lysine, which is basic and polar, with arginine, which is basic and polar, at codon 379 of the SUOX protein (p.Lys379Arg). This variant is present in population databases (rs777114729, gnomAD no frequency). This missense change has been observed in individual(s) with sulfite oxidase deficiency (PMID: 12112661, 19793632, 24756183). This variant is also known as 965A>G; K322R. ClinVar contains an entry for this variant (Variation ID: 2137377). Invitae Evidence Modeling of protein sequence and biophysical properties (such as structural, functional, and spatial information, amino acid conservation, physicochemical variation, residue mobility, and thermodynamic stability) indicates that this missense variant is expected to disrupt SUOX protein function with a positive predictive value of 95%. In summary, the currently available evidence indicates that the variant is pathogenic, but additional data are needed to prove that conclusively. Therefore, this variant has been classified as Likely Pathogenic.

Fulgent Genetics
Classification: Likely pathogenic for Sulfite oxidase deficiency. Last evaluated: 2024-02-22. Review status: criteria provided, single submitter. Criteria: ACMG Guidelines, 2015. Collection method: clinical testing. Allele origin: germline.

Literature cited by the submitters: PubMed 12112661 (cited by Labcorp Genetics (formerly Invitae), Labcorp); PubMed 19793632 (cited by Labcorp Genetics (formerly Invitae), Labcorp); PubMed 24756183 (cited by Labcorp Genetics (formerly Invitae), Labcorp).

NM_001032386.2(SUOX):c.1136A>G (p.Lys379Arg)

Gene: SUOX (sulfite oxidase; plus strand). Cytogenetic location: 12q13.2.
Variant type: single nucleotide variant.
Coding change: c.1136A>G on transcript NM_001032386.2 (MANE Select); coding-DNA position 1136, A replaced by G.
Protein change: p.Lys379Arg; replaces lysine 379 with arginine.
Molecular consequence: missense variant.
Genome position (GRCh38, 1-based): chr12:56,004,525, A>G. VCF-style: chr12-56004525-A-G. GRCh37 (hg19) VCF-style: chr12-56398309-A-G.
Other names: c.1136A>G, p.Lys379Arg (NM_000456.3, NM_001032387.2); c.1136A>G (NM_000456.2); short protein forms K379R.
Identifiers: ClinVar variation 2137377 (VCV002137377.5), dbSNP rs777114729, ClinGen allele CA6621114.